The following is an entry in ClinVar:

NM_006946.4(SPTBN2):c.4476G>A (p.Gln1492=)

Gene: SPTBN2 (spectrin beta, non-erythrocytic 2; minus strand). Cytogenetic location: 11q13.2.
Variant type: single nucleotide variant.
Coding change: c.4476G>A on transcript NM_006946.4 (MANE Select); coding-DNA position 4476, G replaced by A.
Protein change: p.Gln1492=; no amino-acid change (glutamine 1492 retained).
Molecular consequence: synonymous variant.
Genome position (GRCh38, 1-based): chr11:66,694,166, C>T on the plus strand (G>A on the coding strand, the complement: SPTBN2 is on the minus strand). VCF-style: chr11-66694166-C-T. GRCh37 (hg19) VCF-style: chr11-66461637-C-T.
Other names: c.4497G>A, p.Gln1499= (NM_001411025.1).
Identifiers: ClinVar variation 3341732 (VCV003341732.18).

ClinVar aggregate classification (germline): Likely benign. Review status: criteria provided, multiple submitters, no conflicts (2 of 4 stars). 2 submissions from 2 submitters: Likely benign (2). Last evaluated 2024-11-06.

gnomAD v4.1: 4 of 1,610,514 alleles (0.00025%); highest among the groups gnomAD compares: Non-Finnish European, 0.00034%; no homozygotes.

Submissions (2):

Labcorp Genetics (formerly Invitae), Labcorp
Classification: Likely benign. Last evaluated: 2024-11-06. Review status: criteria provided, single submitter. Criteria: Invitae Variant Classification Sherloc (09022015). Collection method: clinical testing. Allele origin: germline.

CeGaT Center for Human Genetics Tuebingen
Classification: Likely benign. Last evaluated: 2024-08-01. Review status: criteria provided, single submitter. Criteria: CeGaT Center For Human Genetics Tuebingen Variant Classification Criteria Version 2. Collection method: clinical testing. Allele origin: germline. Affected: yes. Observed: 1 variant allele.
Comment: SPTBN2: BP4, BP7